The following is an entry in ClinVar:

ClinVar aggregate classification (germline): Benign/Likely benign. Review status: criteria provided, multiple submitters, no conflicts (2 of 4 stars). 13 submissions from 13 submitters: Benign (9); Likely benign (2). 2 of the submissions do not count toward it. Last evaluated 2026-02-04.

Conditions:
Ehlers-Danlos syndrome, classic type, 1 (EDSCL1). Also called: Ehlers-Danlos syndrome, type 1; Ehlers-Danlos Syndrome, Classic Type, COL5A1-Related; EDS I; EHLERS-DANLOS SYNDROME, GRAVIS TYPE; EHLERS-DANLOS SYNDROME, SEVERE CLASSIC TYPE. Identifiers: MedGen C0268335, MONDO:0019567, OMIM 130000.
Ehlers-Danlos syndrome, classic type, 2 (EDSCL2). Also called: Ehlers-Danlos syndrome, type 2; Ehlers-Danlos Syndrome, Classic Type, COL5A2-Related; Ehlers-Danlos syndrome type 2 (formerly). Identifiers: Orphanet 287, Orphanet 90318, MedGen C0268336, MONDO:0019568, OMIM 130010.
Ehlers-Danlos syndrome (EDS). Identifiers: Orphanet 98249, MedGen C0013720, MONDO:0020066.

Allele frequency attached by ClinVar (database versions not stated): 1000 Genomes Project 30x 0.00874; 1000 Genomes Project 0.00938; TOPMed 0.01432; gnomAD 0.01485 and 0.01552; ESP Exome Variant Server 0.01545; gnomAD exomes 0.01713 and 0.02071; ExAC 0.01714.
gnomAD v4.1: 32,380 of 1,608,904 alleles (2%); highest among the groups gnomAD compares: Non-Finnish European, 2.2%; 415 homozygotes.

Submissions (13):

Labcorp Genetics (formerly Invitae), Labcorp
Classification: Benign for Ehlers-Danlos syndrome, classic type, 1. Last evaluated: 2026-02-04. Review status: criteria provided, single submitter. Criteria: Invitae Variant Classification Sherloc (09022015). Collection method: clinical testing. Allele origin: germline.

ARUP Laboratories, Molecular Genetics and Genomics, ARUP Laboratories
Classification: Benign for Ehlers-Danlos syndrome, classic type, 2. Last evaluated: 2025-05-09. Review status: criteria provided, single submitter. Criteria: ARUP Molecular Germline Variant Investigation Process 2024. Collection method: clinical testing. Allele origin: germline.

Molecular Diagnostic Laboratory for Inherited Cardiovascular Disease, Montreal Heart Institute
Classification: Likely benign. Last evaluated: 2025-04-09. Review status: criteria provided, single submitter. Criteria: ACMG Guidelines, 2015. Collection method: clinical testing. Allele origin: germline. Affected: no.
Comment: BS1

Blueprint Genetics
Classification: Benign. Last evaluated: 2024-11-26. Review status: criteria provided, single submitter. Criteria: ACMG Guidelines, 2015. Collection method: clinical testing. Allele origin: germline.

Mayo Clinic Laboratories, Mayo Clinic
Classification: Benign. Last evaluated: 2023-11-10. Review status: criteria provided, single submitter. Criteria: ACMG Guidelines, 2015. Collection method: clinical testing. Allele origin: germline. Observed: 237 variant alleles.
Comment: BS1, BS2, BP4, BP7

Women's Health and Genetics/Laboratory Corporation of America, LabCorp
Classification: Benign. Last evaluated: 2023-07-21. Review status: criteria provided, single submitter. Criteria: LabCorp Variant Classification Summary - May 2015. Collection method: clinical testing. Allele origin: germline.

Genome Diagnostics Laboratory, The Hospital for Sick Children
Classification: Benign for Ehlers-Danlos syndrome. Last evaluated: 2022-07-16. Review status: criteria provided, single submitter. Criteria: ACMG Guidelines, 2015. Collection method: clinical testing. Allele origin: germline.

Illumina Laboratory Services, Illumina
Classification: Benign for Ehlers-Danlos syndrome, classic type, 2. Last evaluated: 2018-01-13. Review status: criteria provided, single submitter. Criteria: ICSL Variant Classification Criteria 13 December 2019. Collection method: clinical testing. Allele origin: germline.
Comment: This variant was observed in the ICSL laboratory as part of a predisposition screen in an ostensibly healthy population. It had not been previously curated by ICSL or reported in the Human Gene Mutation Database (HGMD: prior to June 1st, 2018), and was therefore a candidate for classification through an automated scoring system. Utilizing variant allele frequency, disease prevalence and penetrance estimates, and inheritance mode, an automated score was calculated to assess if this variant is too frequent to cause the disease. Based on the score and internal cut-off values, a variant classified as benign is not then subjected to further curation. The score for this variant resulted in a classification of benign for this disease.

GeneDx
Classification: Benign. Last evaluated: 2012-12-11. Review status: criteria provided, single submitter. Criteria: GeneDx Variant Classification (06012015). Collection method: clinical testing. Allele origin: germline. Affected: yes.
Comment: This variant is considered likely benign or benign based on one or more of the following criteria: it is a conservative change, it occurs at a poorly conserved position in the protein, it is predicted to be benign by multiple in silico algorithms, and/or has population frequency not consistent with disease.

Breakthrough Genomics
Classification: Likely benign. Review status: criteria provided, single submitter. Criteria: ACMG Guidelines, 2015. Collection method: not provided. Allele origin: germline. Inheritance: Autosomal dominant inheritance. Affected: yes.

PreventionGenetics, part of Exact Sciences
Classification: Benign. Review status: criteria provided, single submitter. Criteria: ACMG Guidelines, 2015. Collection method: clinical testing. Allele origin: germline.

Genome Diagnostics Laboratory, Amsterdam University Medical Center
Classification: Benign. Review status: no assertion criteria provided. Collection method: clinical testing. Allele origin: germline. Affected: yes. Study: VKGL Data-share Consensus. Not counted in ClinVar's aggregate classification.

Genome Diagnostics Laboratory, University Medical Center Utrecht
Classification: Benign. Review status: no assertion criteria provided. Collection method: clinical testing. Allele origin: germline. Affected: yes. Study: VKGL Data-share Consensus. Not counted in ClinVar's aggregate classification.

NM_000393.5(COL5A2):c.1006-9C>T

Gene: COL5A2 (collagen type V alpha 2 chain; minus strand). Cytogenetic location: 2q32.2.
Variant type: single nucleotide variant.
Coding change: c.1006-9C>T on transcript NM_000393.5 (MANE Select); 9 bases into the intron before coding-DNA position 1006, C replaced by T.
Molecular consequence: intron variant.
Genome position (GRCh38, 1-based): chr2:189,078,578, G>A on the plus strand (C>T on the coding strand, the complement: COL5A2 is on the minus strand). VCF-style: chr2-189078578-G-A. GRCh37 (hg19) VCF-style: chr2-189943304-G-A.
Other names: p.?; c.1006-9C>T (NM_000393.4).
Identifiers: ClinVar variation 136933 (VCV000136933.40), dbSNP rs73978832, ClinGen allele CA290362.